The following is an entry in ClinVar:

NM_001042492.3(NF1):c.1317T>G (p.Leu439=)

Gene: NF1 (neurofibromin 1; plus strand). Cytogenetic location: 17q11.2.
Variant type: single nucleotide variant.
Coding change: c.1317T>G on transcript NM_001042492.3 (MANE Select); coding-DNA position 1317, T replaced by G.
Protein change: p.Leu439=; no amino-acid change (leucine 439 retained).
Molecular consequence: synonymous variant.
Genome position (GRCh38, 1-based): chr17:31,206,296, T>G. VCF-style: chr17-31206296-T-G. GRCh37 (hg19) VCF-style: chr17-29533314-T-G.
Other names: c.1317T>G, p.Leu439= (NM_000267.4, NM_001128147.3).
Identifiers: ClinVar variation 1769824 (VCV001769824.8), dbSNP rs1309101082, ClinGen allele CA499222417.

ClinVar aggregate classification (germline): Benign/Likely benign. Review status: criteria provided, multiple submitters, no conflicts (2 of 4 stars). 3 submissions from 3 submitters: Benign (1); Likely benign (2). Last evaluated 2026-09-23.

Conditions:
Cardiovascular phenotype. Identifiers: MedGen CN230736.
Hereditary cancer-predisposing syndrome. Also called: Hereditary neoplastic syndrome; Neoplastic Syndromes, Hereditary; Tumor predisposition; Hereditary Cancer Syndrome. Identifiers: Orphanet 140162, MedGen C0027672, MeSH D009386, MONDO:0015356.
Neurofibromatosis, type 1 (NF1). Also called: VON RECKLINGHAUSEN DISEASE; Peripheral type neurofibromatosis; NEUROFIBROMATOSIS, TYPE I, SOMATIC; Neurofibromatosis, type I. Identifiers: Orphanet 636, MedGen C0027831, MONDO:0018975, OMIM 162200. Disease mechanism: loss of function.

Allele frequency attached by ClinVar (database versions not stated): gnomAD exomes below 0.00001.
gnomAD v4.1: 3 of 1,613,960 alleles (0.00019%); highest among the groups gnomAD compares: Non-Finnish European, 0.00025%; no homozygotes.

Submissions (3):

Myriad Genetics, Inc.
Classification: Benign for Neurofibromatosis, type 1. Last evaluated: 2026-09-23. Review status: criteria provided, single submitter. Criteria: Myriad Autosomal Dominant, Autosomal Recessive and X-Linked Classification Criteria (2023). Collection method: clinical testing. Allele origin: unknown.
Comment: This variant is considered benign. This variant is a silent/synonymous amino acid change and it is not expected to impact splicing.

Labcorp Genetics (formerly Invitae), Labcorp
Classification: Likely benign for Neurofibromatosis, type 1. Last evaluated: 2025-09-30. Review status: criteria provided, single submitter. Criteria: Invitae Variant Classification Sherloc (09022015). Collection method: clinical testing. Allele origin: germline.

Ambry Genetics
Classification: Likely benign for Cardiovascular phenotype; Hereditary cancer-predisposing syndrome. Last evaluated: 2020-04-16. Review status: criteria provided, single submitter. Criteria: Ambry Variant Classification Scheme 2023. Collection method: clinical testing. Allele origin: germline.